The following is an entry in ClinVar:

NM_000064.4(C3):c.3536A>G (p.Asn1179Ser)

Gene: C3 (complement C3; minus strand). Cytogenetic location: 19p13.3.
Variant type: single nucleotide variant.
Coding change: c.3536A>G on transcript NM_000064.4 (MANE Select); coding-DNA position 3536, A replaced by G.
Protein change: p.Asn1179Ser; replaces asparagine 1179 with serine.
Molecular consequence: missense variant.
Genome position (GRCh38, 1-based): chr19:6,686,856, T>C on the plus strand (A>G on the coding strand, the complement: C3 is on the minus strand). VCF-style: chr19-6686856-T-C. GRCh37 (hg19) VCF-style: chr19-6686867-T-C.
Other names: p.Asn1179Ser; short protein forms N1179S.
Identifiers: ClinVar variation 1350781 (VCV001350781.7), dbSNP rs2145398829, ClinGen allele CA403621399.

ClinVar aggregate classification (germline): Uncertain significance. Review status: criteria provided, multiple submitters, no conflicts (2 of 4 stars). 2 submissions from 2 submitters: Uncertain significance (2). Last evaluated 2024-07-15.

Allele frequency attached by ClinVar (database versions not stated): gnomAD exomes below 0.00001.

Submissions (2):

Mayo Clinic Laboratories, Mayo Clinic
Classification: Uncertain significance. Last evaluated: 2024-07-15. Review status: criteria provided, single submitter. Criteria: ACMG Guidelines, 2015. Collection method: clinical testing. Allele origin: germline. Observed: 1 variant allele.
Comment: BP4, PM2

Labcorp Genetics (formerly Invitae), Labcorp
Classification: Uncertain significance. Last evaluated: 2021-11-11. Review status: criteria provided, single submitter. Criteria: Invitae Variant Classification Sherloc (09022015). Collection method: clinical testing. Allele origin: germline.
Comment: This sequence change replaces asparagine, which is neutral and polar, with serine, which is neutral and polar, at codon 1179 of the C3 protein (p.Asn1179Ser). This variant is not present in population databases (gnomAD no frequency). This variant has not been reported in the literature in individuals affected with C3-related conditions. Algorithms developed to predict the effect of missense changes on protein structure and function output the following: SIFT: "Tolerated"; PolyPhen-2: "Benign"; Align-GVGD: "Class C0". The serine amino acid residue is found in multiple mammalian species, which suggests that this missense change does not adversely affect protein function. In summary, the available evidence is currently insufficient to determine the role of this variant in disease. Therefore, it has been classified as a Variant of Uncertain Significance.